The following is an entry in ClinVar:

NM_000098.3(CPT2):c.1924_1926del (p.Lys642del)

Gene: CPT2 (carnitine palmitoyltransferase 2; plus strand). Cytogenetic location: 1p32.3.
Variant type: Deletion.
Coding change: c.1924_1926del on transcript NM_000098.3 (MANE Select); coding-DNA positions 1924 to 1926, 3 bases deleted (AAG; older notation c.1924_1926delAAG).
Protein change: p.Lys642del; deletes lysine 642.
Molecular consequence: inframe deletion.
Genome position (GRCh38, 1-based): chr1:53,213,542-53,213,544, AAG deleted; deleting any 3 consecutive bases within chr1:53,213,540-53,213,544 gives the same sequence; the c. name uses the placement nearest the transcript's 3' end. VCF-style (leftmost placement, unchanged base first): chr1-53213539-GAGA-G. GRCh37 (hg19) VCF-style: chr1-53679211-GAGA-G.
Other names: c.1855_1857del, p.Lys619del (NM_001330589.2); short protein forms K619del, K642del.
Identifiers: ClinVar variation 4531495 (VCV004531495.1).

ClinVar aggregate classification (germline): Uncertain significance (1 of 4 stars; one submission).

Conditions:
Carnitine palmitoyltransferase II deficiency. Also called: Carnitine Palmitoyltransferase 2 Deficiency. Identifiers: Orphanet 157, MedGen C0342790, MONDO:0015515.

Submission:

Victorian Clinical Genetics Services, Murdoch Childrens Research Institute
Classification: Uncertain significance for Carnitine palmitoyltransferase II deficiency. Last evaluated: 2025-11-13. Review status: criteria provided, single submitter. Criteria: ACMG Guidelines, 2015. Collection method: clinical testing. Allele origin: germline. Affected: yes.
Comment: This variant is classified as VUS-3A. Evidence in support of pathogenic classification: In-frame deletion in a non-repetitive region that has high conservation; Variant is present in gnomAD <0.01 for a recessive condition (v2: 1 heterozygote(s), 0 homozygote(s)); Heterozygous variant detected in trans with a PATHOGENIC heterozygous variant (NM_000098.3(CPT2):c.1444_1645+364del) in a recessive disease. Additional information: This variant is heterozygous; This gene is associated with autosomal recessive disease. This gene is generally considered to be associated with an autosomal recessive condition, however, some cases of manifesting carriers have been reported for the myopathic form of CPT II deficiency (PMID: 32295037); This variant has no previous evidence of pathogenicity; No published functional evidence has been identified for this variant; Variant is located in the annotated choline/carnitine o-acyltransferase domain (DECIPHER); Loss of function is a known mechanism of disease in this gene and is associated with carnitine palmitoyltransferase II deficiency (MONDO:0015515); Variants in this gene are known to have variable expressivity. The myopathic form of this condition can manifest from infancy to adulthood and variable onset, frequency, and severity of symptoms have been reported (PMID: 32295037).

Literature cited by the submitters: PubMed 32295037.